The following is an entry in ClinVar:

NM_001040108.2(MLH3):c.1325T>C (p.Ile442Thr)

Gene: MLH3 (mutL homolog 3; minus strand). Cytogenetic location: 14q24.3.
Variant type: single nucleotide variant.
Coding change: c.1325T>C on transcript NM_001040108.2 (MANE Select); coding-DNA position 1325, T replaced by C.
Protein change: p.Ile442Thr; replaces isoleucine 442 with threonine.
Molecular consequence: missense variant.
Genome position (GRCh38, 1-based): chr14:75,048,331, A>G on the plus strand (T>C on the coding strand, the complement: MLH3 is on the minus strand). VCF-style: chr14-75048331-A-G. GRCh37 (hg19) VCF-style: chr14-75515034-A-G.
Other names: c.1325T>C, p.Ile442Thr (NM_014381.3); short protein forms I442T.
Identifiers: ClinVar variation 3642705 (VCV003642705.2).

ClinVar aggregate classification (germline): Uncertain significance (1 of 4 stars; one submission).

Conditions:
Colorectal cancer, hereditary nonpolyposis, type 7. Identifiers: Orphanet 144, MedGen C1858380, MONDO:0013725, OMIM 614385.

Submission:

Labcorp Genetics (formerly Invitae), Labcorp
Classification: Uncertain significance for Colorectal cancer, hereditary nonpolyposis, type 7. Last evaluated: 2024-02-23. Review status: criteria provided, single submitter. Criteria: Invitae Variant Classification Sherloc (09022015). Collection method: clinical testing. Allele origin: germline.
Comment: This sequence change replaces isoleucine, which is neutral and non-polar, with threonine, which is neutral and polar, at codon 442 of the MLH3 protein (p.Ile442Thr). This variant is not present in population databases (gnomAD no frequency). This variant has not been reported in the literature in individuals affected with MLH3-related conditions. Algorithms developed to predict the effect of missense changes on protein structure and function output the following: SIFT: "Not Available"; PolyPhen-2: "Benign"; Align-GVGD: "Not Available". The threonine amino acid residue is found in multiple mammalian species, which suggests that this missense change does not adversely affect protein function. In summary, the available evidence is currently insufficient to determine the role of this variant in disease. Therefore, it has been classified as a Variant of Uncertain Significance.